The following is an entry in ClinVar:

NM_152419.3(HGSNAT):c.1497del (p.Thr500fs)

Gene: HGSNAT (heparan-alpha-glucosaminide N-acetyltransferase; plus strand). Cytogenetic location: 8p11.21.
Variant type: Deletion.
Coding change: c.1497del on transcript NM_152419.3 (MANE Select); coding-DNA position 1497, one base deleted (G; older notation c.1497delG).
Protein change: p.Thr500fs; shifts the reading frame from threonine 500.
Molecular consequence: frameshift variant.
Genome position (GRCh38, 1-based): chr8:43,196,980, G deleted; the last of 2 consecutive G bases (chr8:43,196,979-43,196,980); deleting either gives the same sequence. VCF-style (leftmost placement, unchanged base first): chr8-43196978-CG-C. GRCh37 (hg19) VCF-style: chr8-43052121-CG-C.
Other names: c.1584del, p.Thr529fs (NM_001363227.2); c.1305del, p.Thr436fs (NM_001363228.2); c.633del, p.Thr212fs (NM_001363229.2); short protein forms T212fs, T436fs, T500fs, T529fs.
Identifiers: ClinVar variation 4816865 (VCV004816865.1).
Genomic context (GRCh38, chr8:43,196,978, plus strand): 5'-CTTTTGGTCACACTGTGTTATCTCCTCCAGGCAGGAAAAATACTATTGTATTACAAGGCT[CG>C]GACCAAAGACATCCTGATTCGATTCACTGCTTGGTGTTGTATTCTTGTAAGTAAGCAGCA-3'

ClinVar aggregate classification (germline): Likely pathogenic (1 of 4 stars; one submission).

Conditions:
Mucopolysaccharidosis, MPS-III-C (MPS3C). Also called: MPS IIIC (Sanfilippo Syndrome Type C); SANFILIPPO SYNDROME C; MPS III C; Mucopolysaccharidosis type IIIC (Sanfilippo C); MUCOPOLYSACCHARIDOSIS, TYPE IIIC; mucopolysaccharidosis type 3C. Identifiers: Orphanet 581, Orphanet 79271, MedGen C0086649, MONDO:0009657, OMIM 252930.

Submission:

Natera, Inc.
Classification: Likely pathogenic for Mucopolysaccharidosis type IIIC. Last evaluated: 2024-03-05. Review status: criteria provided, single submitter. Criteria: Natera Variant Classification Schema (03/2026). Collection method: clinical testing. Allele origin: germline.
Comment: The c.1497delG variant in HGSNAT is a frameshift variant predicted to shift the reading frame beginning at codon 500 and leads to a stop codon 5 codons downstream. This variant is expected to result in nonsense mediated decay, truncation, or a dysfunctional protein product. This variant is rare in the general population with a frequency below the threshold expected for the associated phenotype(s). Given the available evidence, this variant is classified as Likely Pathogenic.